The following is an entry in ClinVar:

NM_000535.7(PMS2):c.977C>T (p.Ser326Phe)

Gene: PMS2 (PMS1 homolog 2, mismatch repair system component; minus strand). Cytogenetic location: 7p22.1.
Variant type: single nucleotide variant.
Coding change: c.977C>T on transcript NM_000535.7 (MANE Select); coding-DNA position 977, C replaced by T.
Protein change: p.Ser326Phe; replaces serine 326 with phenylalanine.
Molecular consequence: missense variant. On other transcripts: non-coding transcript variant (1).
Genome position (GRCh38, 1-based): chr7:5,991,984, G>A on the plus strand (C>T on the coding strand, the complement: PMS2 is on the minus strand). VCF-style: chr7-5991984-G-A. GRCh37 (hg19) VCF-style: chr7-6031615-G-A.
Other names: c.572C>T, p.Ser191Phe (NM_001018040.1, NM_001322003.2, NM_001322004.2 and 20 more transcripts); c.977C>T, p.Ser326Phe (NM_001322006.2, NM_001322014.2, NM_001406870.1 and 2 more transcripts); c.659C>T, p.Ser220Phe (NM_001322007.2, NM_001322008.2, NM_001406876.1 and 4 more transcripts); c.44C>T, p.Ser15Phe (NM_001322011.2, NM_001322012.2); c.404C>T, p.Ser135Phe (NM_001322013.2, NM_001406909.1); c.668C>T, p.Ser223Phe (NM_001322015.2, NM_001406875.1, NM_001406877.1 and 6 more transcripts); c.1163C>T, p.Ser388Phe (NM_001406866.1); c.1001C>T, p.Ser334Phe (NM_001406868.1); and 7 more; short protein forms S155F, S214F, S220F, S270F, S135F, S260F, S290F, S326F.
Identifiers: ClinVar variation 1768166 (VCV001768166.5), dbSNP rs2128755117, ClinGen allele CA366743076.

ClinVar aggregate classification (germline): Uncertain significance. Review status: criteria provided, multiple submitters, no conflicts (2 of 4 stars). 2 submissions from 2 submitters: Uncertain significance (2). Last evaluated 2025-11-05.

Conditions:
Hereditary nonpolyposis colorectal neoplasms. Identifiers: MedGen C0009405, MeSH D003123.
Hereditary cancer-predisposing syndrome. Also called: Hereditary Cancer Syndrome; Hereditary neoplastic syndrome; Neoplastic Syndromes, Hereditary; Tumor predisposition. Identifiers: Orphanet 140162, MedGen C0027672, MeSH D009386, MONDO:0015356.

Submissions (2):

Ambry Genetics
Classification: Uncertain significance for Hereditary cancer-predisposing syndrome. Last evaluated: 2025-11-05. Review status: criteria provided, single submitter. Criteria: Ambry Variant Classification Scheme 2023. Collection method: clinical testing. Allele origin: germline.
Comment: The p.S326F variant (also known as c.977C>T), located in coding exon 9 of the PMS2 gene, results from a C to T substitution at nucleotide position 977. The serine at codon 326 is replaced by phenylalanine, an amino acid with highly dissimilar properties. This amino acid position is conserved. In addition, this alteration is predicted to be deleterious by in silico analysis. Based on the available evidence, the clinical significance of this variant remains unclear.

Labcorp Genetics (formerly Invitae), Labcorp
Classification: Uncertain significance for Hereditary nonpolyposis colorectal neoplasms. Last evaluated: 2024-03-26. Review status: criteria provided, single submitter. Criteria: Invitae Variant Classification Sherloc (09022015). Collection method: clinical testing. Allele origin: germline.
Comment: This sequence change replaces serine, which is neutral and polar, with phenylalanine, which is neutral and non-polar, at codon 326 of the PMS2 protein (p.Ser326Phe). This variant is not present in population databases (gnomAD no frequency). This variant has not been reported in the literature in individuals affected with PMS2-related conditions. ClinVar contains an entry for this variant (Variation ID: 1768166). Advanced modeling of protein sequence and biophysical properties (such as structural, functional, and spatial information, amino acid conservation, physicochemical variation, residue mobility, and thermodynamic stability) has been performed at Invitae for this missense variant, however the output from this modeling did not meet the statistical confidence thresholds required to predict the impact of this variant on PMS2 protein function. In summary, the available evidence is currently insufficient to determine the role of this variant in disease. Therefore, it has been classified as a Variant of Uncertain Significance.